The following is an entry in ClinVar:

ClinVar aggregate classification (germline): Likely benign (1 of 4 stars; one submission).

Allele frequency attached by ClinVar (database versions not stated): gnomAD 0.00004; gnomAD exomes 0.00005; TOPMed 0.00005.

Submission:

CeGaT Center for Human Genetics Tuebingen
Classification: Likely benign. Last evaluated: 2025-02-01. Review status: criteria provided, single submitter. Criteria: CeGaT Center For Human Genetics Tuebingen Variant Classification Criteria Version 2. Collection method: clinical testing. Allele origin: germline. Affected: yes. Observed: 3 variant alleles.
Comment: KCNQ1OT1: BS1

NM_000218.3(KCNQ1):c.1393+23060del

Genes: KCNQ1 (potassium voltage-gated channel subfamily Q member 1; plus strand), KCNQ1OT1 (KCNQ1 opposite strand/antisense transcript 1; minus strand). Cytogenetic location: 11p15.5.
Variant type: Deletion.
Coding change: c.1393+23060del on transcript NM_000218.3 (MANE Select); 23060 bases into the intron after coding-DNA position 1393, one base deleted (C; older notation c.1393+23060delC).
Molecular consequence: intron variant. On other transcripts: non-coding transcript variant (1).
Genome position (GRCh38, 1-based): chr11:2,611,914, C deleted. VCF-style (leftmost placement, unchanged base first): chr11-2611913-GC-G. GRCh37 (hg19) VCF-style: chr11-2633143-GC-G.
Other names: c.1123+23060del (NM_001406837.1); c.1297+23060del (NM_001406836.1); c.853+23060del (NM_001406838.1); c.1012+23060del (NM_181798.2).
Identifiers: ClinVar variation 3250903 (VCV003250903.18), dbSNP rs1394419533.